The following is an entry in ClinVar:

NM_002299.4(LCT):c.318C>T (p.Asp106=)

Gene: LCT (lactase; minus strand). Cytogenetic location: 2q21.3.
Variant type: single nucleotide variant.
Coding change: c.318C>T on transcript NM_002299.4 (MANE Select); coding-DNA position 318, C replaced by T.
Protein change: p.Asp106=; no amino-acid change (aspartic acid 106 retained).
Molecular consequence: synonymous variant.
Genome position (GRCh38, 1-based): chr2:135,836,852, G>A on the plus strand (C>T on the coding strand, the complement: LCT is on the minus strand). VCF-style: chr2-135836852-G-A. GRCh37 (hg19) VCF-style: chr2-136594422-G-A.
Other names: p.Asp106=; c.318C>T (LRG_338t1, NM_002299.3).
Identifiers: ClinVar variation 331213 (VCV000331213.20), dbSNP rs34307240, ClinGen allele CA1888664.
Genomic context (GRCh38, chr2:135,836,852, plus strand): 5'-CTGAAGCCGTGCAGTCTTGAGGGCCTTGAGGAGTCGCCGGTAGCACTGCACTGTTTTCTC[G>A]TCTGGATTCTGGGTGCTTCCTGCTGGGAGGAGCTGTGCCCATGACAGAAATACCTTATAA-3'
Protein context (NP_002290.2, residues 96-116): LLPAGSTQNP[Asp106=]EKTVQCYRRL

ClinVar aggregate classification (germline): Benign/Likely benign. Review status: criteria provided, multiple submitters, no conflicts (2 of 4 stars). 7 submissions from 7 submitters: Benign (4); Likely benign (2). 1 of the submissions does not count toward it. Last evaluated 2026-02-01.

Conditions:
Congenital lactase deficiency. Also called: ALACTASIA, CONGENITAL; DISACCHARIDE INTOLERANCE II. Identifiers: Orphanet 53690, MedGen C0268179, MONDO:0009115, OMIM 223000.
LCT-related disorder. Also called: LCT-related condition.
Inborn genetic diseases. Identifiers: MedGen C0950123, MeSH D030342.

Allele frequency attached by ClinVar (database versions not stated): ESP Exome Variant Server 0.00661; TOPMed 0.01034; 1000 Genomes Project 0.01398; 1000 Genomes Project 30x 0.01421.

Submissions (7):

Labcorp Genetics (formerly Invitae), Labcorp
Classification: Benign. Last evaluated: 2026-02-01. Review status: criteria provided, single submitter. Criteria: Invitae Variant Classification Sherloc (09022015). Collection method: clinical testing. Allele origin: germline.

Ambry Genetics
Classification: Likely benign for Inborn genetic diseases. Last evaluated: 2025-03-03. Review status: criteria provided, single submitter. Criteria: Ambry Variant Classification Scheme 2023. Collection method: clinical testing. Allele origin: germline.

Mayo Clinic Laboratories, Mayo Clinic
Classification: Benign. Last evaluated: 2022-09-06. Review status: criteria provided, single submitter. Criteria: ACMG Guidelines, 2015. Collection method: clinical testing. Allele origin: germline. Observed: 2 variant alleles.

GeneDx
Classification: Benign. Last evaluated: 2021-06-09. Review status: criteria provided, single submitter. Criteria: GeneDx Variant Classification Process June 2021. Collection method: clinical testing. Allele origin: germline. Affected: yes.

Illumina Laboratory Services, Illumina
Classification: Benign for Congenital lactase deficiency. Last evaluated: 2018-01-12. Review status: criteria provided, single submitter. Criteria: ICSL Variant Classification Criteria 13 December 2019. Collection method: clinical testing. Allele origin: germline.
Comment: This variant was observed in the ICSL laboratory as part of a predisposition screen in an ostensibly healthy population. It had not been previously curated by ICSL or reported in the Human Gene Mutation Database (HGMD: prior to June 1st, 2018), and was therefore a candidate for classification through an automated scoring system. Utilizing variant allele frequency, disease prevalence and penetrance estimates, and inheritance mode, an automated score was calculated to assess if this variant is too frequent to cause the disease. Based on the score and internal cut-off values, a variant classified as benign is not then subjected to further curation. The score for this variant resulted in a classification of benign for this disease.

Breakthrough Genomics
Classification: Likely benign. Review status: criteria provided, single submitter. Criteria: ACMG Guidelines, 2015. Collection method: not provided. Allele origin: germline. Inheritance: Autosomal recessive inheritance. Affected: yes.

PreventionGenetics, part of Exact Sciences
Classification: Benign for LCT-related condition. Last evaluated: 2020-11-03. Review status: no assertion criteria provided. Collection method: clinical testing. Allele origin: germline. Not counted in ClinVar's aggregate classification.
Comment: This variant is classified as benign based on ACMG/AMP sequence variant interpretation guidelines (Richards et al. 2015 PMID: 25741868, with internal and published modifications).